The following is an entry in ClinVar:

NM_000426.4(LAMA2):c.7681G>A (p.Gly2561Ser)

Gene: LAMA2 (laminin subunit alpha 2; plus strand). Cytogenetic location: 6q22.33.
Variant type: single nucleotide variant.
Coding change: c.7681G>A on transcript NM_000426.4 (MANE Select); coding-DNA position 7681, G replaced by A.
Protein change: p.Gly2561Ser; replaces glycine 2561 with serine.
Molecular consequence: missense variant.
Genome position (GRCh38, 1-based): chr6:129,481,371, G>A. VCF-style: chr6-129481371-G-A. GRCh37 (hg19) VCF-style: chr6-129802516-G-A.
Other names: c.7669G>A, p.Gly2557Ser (NM_001079823.2); short protein forms G2561S, G2557S.
Identifiers: ClinVar variation 665945 (VCV000665945.17), dbSNP rs200341138, ClinGen allele CA3994636.

ClinVar aggregate classification (germline): Conflicting classifications of pathogenicity. Review status: criteria provided, conflicting classifications (1 of 4 stars). 9 submissions from 9 submitters: Uncertain significance (8); Likely benign (1). Last evaluated 2026-05-29.

Conditions:
LAMA2-related disorder. Also called: LAMA2-related disorders; LAMA2-related condition.
Congenital muscular dystrophy due to partial LAMA2 deficiency. Identifiers: MedGen C1842898.
Muscular dystrophy, limb-girdle, autosomal recessive 23. Identifiers: Orphanet 565837, MedGen C4748327, MONDO:0029136, OMIM 618138.
Merosin deficient congenital muscular dystrophy (MDC1A). Also called: Congenital merosin-deficient muscular dystrophy 1A; Congenital Muscular Dystrophy Type 1A (MDC1A). Identifiers: Orphanet 258, MedGen C1263858, MONDO:0011925, OMIM 607855.
Inborn genetic diseases. Identifiers: MedGen C0950123, MeSH D030342.
LAMA2-related muscular dystrophy (LAMA2-RD). Also called: Laminin alpha 2-related dystrophy. Identifiers: MedGen C5679788, MONDO:0100228.

Allele frequency attached by ClinVar (database versions not stated): gnomAD 0.00005; TOPMed 0.00006.
gnomAD v4.1: 105 of 1,613,742 alleles (0.0065%); highest among the groups gnomAD compares: Middle Eastern, 0.099%; no homozygotes.

Submissions (9):

Ambry Genetics
Classification: Uncertain significance for Inborn genetic diseases. Last evaluated: 2026-05-29. Review status: criteria provided, single submitter. Criteria: Ambry Variant Classification Scheme 2023. Collection method: clinical testing. Allele origin: germline.
Comment: The c.7681G>A (p.G2561S) alteration is located in exon 55 (coding exon 55) of the LAMA2 gene. This alteration results from a G to A substitution at nucleotide position 7681, causing the glycine (G) at amino acid position 2561 to be replaced by a serine (S). Based on data from gnomAD, the A allele has an overall frequency of 0.009% (26/282624) total alleles studied. The highest observed frequency was 0.02% (6/30616) of South Asian alleles. Based on insufficient or conflicting evidence, the clinical significance of this alteration remains unclear.

Labcorp Genetics (formerly Invitae), Labcorp
Classification: Likely benign for LAMA2-related muscular dystrophy. Last evaluated: 2025-10-15. Review status: criteria provided, single submitter. Criteria: Invitae Variant Classification Sherloc (09022015). Collection method: clinical testing. Allele origin: germline.

GeneDx
Classification: Uncertain significance. Last evaluated: 2025-06-16. Review status: criteria provided, single submitter. Criteria: GeneDx Variant Classification Process June 2021. Collection method: clinical testing. Allele origin: germline. Affected: yes.
Comment: In silico analysis supports that this missense variant has a deleterious effect on protein structure/function; This variant is associated with the following publications: (PMID: 30055037, 35924034, 35902733, 34528292)

PreventionGenetics, part of Exact Sciences
Classification: Uncertain significance for LAMA2-related condition. Last evaluated: 2025-06-13. Review status: criteria provided, single submitter. Criteria: ACMG Guidelines, 2015. Collection method: clinical testing. Allele origin: germline.
Comment: The LAMA2 c.7681G>A variant is predicted to result in the amino acid substitution p.Gly2561Ser. To our knowledge, this variant has not been reported in the literature. This variant is reported in 0.020% of alleles in individuals of South Asian descent in gnomAD. At this time, the clinical significance of this variant is uncertain due to the absence of conclusive functional and genetic evidence.

Blueprint Genetics
Classification: Uncertain significance. Last evaluated: 2024-11-23. Review status: criteria provided, single submitter. Criteria: ACMG Guidelines, 2015. Collection method: clinical testing. Allele origin: germline.

Revvity Omics, Revvity
Classification: Uncertain significance. Last evaluated: 2023-10-19. Review status: criteria provided, single submitter. Criteria: ACMG Guidelines, 2015. Collection method: clinical testing. Allele origin: germline.

Women's Health and Genetics/Laboratory Corporation of America, LabCorp
Classification: Uncertain significance. Last evaluated: 2023-07-27. Review status: criteria provided, single submitter. Criteria: LabCorp Variant Classification Summary - May 2015. Collection method: clinical testing. Allele origin: germline.
Comment: Variant summary: LAMA2 c.7681G>A (p.Gly2561Ser) results in a non-conservative amino acid change in the encoded protein sequence. Five of five in-silico tools predict a damaging effect of the variant on protein function. The variant allele was found at a frequency of 9.6e-05 in 251234 control chromosomes. This frequency is not significantly higher than estimated for a pathogenic variant in LAMA2 causing Laminin Alpha 2-Related Dystrophy (9.6e-05 vs 0.0022), allowing no conclusion about variant significance. c.7681G>A has been reported in the literature at a compound heterozygous state along with another rare VUS missense in one individual affected with merosin-deficient congenital muscular dystrophy type 1A (example: Khorrami_2021). c.7681G>A has also been reported at a heterozygous state in two siblings from a family with leukemia predisposition (Escudero_2022). These data do not allow any conclusion about variant significance in Laminin Alpha 2-Related Dystrophy. To our knowledge, no experimental evidence demonstrating an impact on protein function has been reported. The following publications have been ascertained in the context of this evaluation (PMID: 35902733, 34528292). Four submitters have cited clinical-significance assessments for this variant to ClinVar after 2014. All submitters classified the variant as uncertain significance. Based on the evidence outlined above, the variant was classified as uncertain significance.

Department of Pathology and Laboratory Medicine, Sinai Health System
Classification: Uncertain significance for Merosin deficient congenital muscular dystrophy; Muscular dystrophy, limb-girdle, autosomal recessive 23. Last evaluated: 2020-06-10. Review status: criteria provided, single submitter. Criteria: ACMG Guidelines, 2015. Collection method: research. Allele origin: germline.

Illumina Laboratory Services, Illumina
Classification: Uncertain significance for Congenital muscular dystrophy due to partial LAMA2 deficiency. Last evaluated: 2018-01-12. Review status: criteria provided, single submitter. Criteria: ICSL Variant Classification Criteria 13 December 2019. Collection method: clinical testing. Allele origin: germline.

Literature cited by the submitters: PubMed 34528292 (cited by Ambry Genetics and Women's Health and Genetics/Laboratory Corporation of America, LabCorp); PubMed 35902733 (cited by Women's Health and Genetics/Laboratory Corporation of America, LabCorp).